The following is an entry in ClinVar:

ClinVar aggregate classification (germline): Uncertain significance (1 of 4 stars; one submission).

Submission:

Labcorp Genetics (formerly Invitae), Labcorp
Classification: Uncertain significance. Last evaluated: 2024-06-21. Review status: criteria provided, single submitter. Criteria: Invitae Variant Classification Sherloc (09022015). Collection method: clinical testing. Allele origin: germline.
Comment: This sequence change replaces serine, which is neutral and polar, with phenylalanine, which is neutral and non-polar, at codon 222 of the SERPING1 protein (p.Ser222Phe). This variant is not present in population databases (gnomAD no frequency). This variant has not been reported in the literature in individuals affected with SERPING1-related conditions. Advanced modeling of protein sequence and biophysical properties (such as structural, functional, and spatial information, amino acid conservation, physicochemical variation, residue mobility, and thermodynamic stability) performed at Invitae indicates that this missense variant is not expected to disrupt SERPING1 protein function with a negative predictive value of 80%. In summary, the available evidence is currently insufficient to determine the role of this variant in disease. Therefore, it has been classified as a Variant of Uncertain Significance.

NM_000062.3(SERPING1):c.665C>T (p.Ser222Phe)

Gene: SERPING1 (serpin family G member 1; plus strand). Cytogenetic location: 11q12.1.
Variant type: single nucleotide variant.
Coding change: c.665C>T on transcript NM_000062.3 (MANE Select); coding-DNA position 665, C replaced by T.
Protein change: p.Ser222Phe; replaces serine 222 with phenylalanine.
Molecular consequence: missense variant.
Genome position (GRCh38, 1-based): chr11:57,602,149, C>T. VCF-style: chr11-57602149-C-T. GRCh37 (hg19) VCF-style: chr11-57369622-C-T.
Other names: c.665C>T, p.Ser222Phe (NM_001032295.2); short protein forms S222F.
Identifiers: ClinVar variation 3657319 (VCV003657319.2).
Genomic context (GRCh38, chr11:57,602,149, plus strand): 5'-ACTTCACCTGTGTCCACCAGGCCCTGAAGGGCTTCACGACCAAAGGTGTCACCTCAGTCT[C>T]TCAGATCTTCCACAGCCCAGGTGAGTGCCCAGGAATGGGCAGTGTCTGCAGAGGAGGGTC-3'
Protein context (NP_000053.2, residues 212-232): GFTTKGVTSV[Ser222Phe]QIFHSPDLAI